The following is an entry in ClinVar:

NM_004444.5(EPHB4):c.1950G>T (p.Lys650Asn)

Gene: EPHB4 (EPH receptor B4; minus strand). Cytogenetic location: 7q22.1.
Variant type: single nucleotide variant.
Coding change: c.1950G>T on transcript NM_004444.5 (MANE Select); coding-DNA position 1950, G replaced by T.
Protein change: p.Lys650Asn; replaces lysine 650 with asparagine.
Molecular consequence: missense variant.
Genome position (GRCh38, 1-based): chr7:100,812,915, C>A on the plus strand (G>T on the coding strand, the complement: EPHB4 is on the minus strand). VCF-style: chr7-100812915-C-A. GRCh37 (hg19) VCF-style: chr7-100410537-C-A.
Other names: short protein forms K650N.
Identifiers: ClinVar variation 691540 (VCV000691540.1), dbSNP rs1584658113, ClinGen allele CA368570317.

ClinVar aggregate classification (germline): Likely pathogenic (1 of 4 stars; one submission).

Conditions:
Capillary malformation-arteriovenous malformation 2 (CMAVM2). Identifiers: Orphanet 693912, MedGen C4748670, MONDO:0020785, OMIM 618196.

Submission:

SIB Swiss Institute of Bioinformatics
Classification: Likely pathogenic for Capillary malformation-arteriovenous malformation 2. Last evaluated: 2019-03-29. Review status: criteria provided, single submitter. Criteria: ACMG Guidelines, 2015. Collection method: curation. Allele origin: unknown.
Comment: This variant is interpreted as a Likely pathogenic for Capillary malformation-arteriovenous malformation 2. The following ACMG Tag(s) were applied: PM2: Absent from controls (or at extremely low frequency if recessive) in Exome Sequencing Project, 1000 Genomes Project, or Exome Aggregation Consortium. PM1: Located in a mutational hot spot and/or critical and well-established functional domain (e.g.,active site of an enzyme) without benign variation. PP3: Multiple lines of computational evidence support a deleterious effect on the gene or gene product. PS3: Well-established functional studies show a deleterious effect.

Literature cited by the submitters: PubMed 30578106.